The following is an entry in ClinVar:

ClinVar aggregate classification (germline): Uncertain significance. Review status: reviewed by expert panel (3 of 4 stars). 5 submissions from 5 submitters: Uncertain significance (1). 4 of the submissions do not count toward it. Last evaluated 2025-08-01.

Conditions:
RYR1-related disorder. Also called: RYR1-related disorders; RYR1-related condition. Identifiers: MedGen CN239331.
Malignant hyperthermia, susceptibility to, 1 (MHS1). Also called: RYR1-Related Malignant Hyperthermia Susceptibility; Malignant hyperthermia suceptibility 1; Anesthesia related hyperthermia; Malignant hyperpyrexia; Fulminating hyperpyrexia; Pharmacogenic myopathy. Identifiers: Orphanet 423, MedGen C2930980, MONDO:0007783, OMIM 145600.

Allele frequency attached by ClinVar (database versions not stated): gnomAD exomes 0.00001.
gnomAD v4.1: 11 of 1,613,844 alleles (0.00068%); highest among the groups gnomAD compares: Non-Finnish European, 0.00093%; no homozygotes.

Submissions (5):

ClinGen Malignant Hyperthermia Susceptibility Variant Curation Expert Panel, ClinGen
Classification: Uncertain significance for Malignant hyperthermia, susceptibility to, 1. Last evaluated: 2025-08-01. Review status: reviewed by expert panel. Criteria: ClinGen MHS ACMG Specifications V2. Collection method: curation. Allele origin: germline. Inheritance: Autosomal dominant inheritance. Study: ClinGen.
Comment: This pathogenicity assessment is relevant only for malignant hyperthermia susceptibility (MHS) inherited in an autosomal dominant pattern. Variants in RYR1 can also cause other myopathies inherited in an autosomal dominant pattern or in an autosomal recessive pattern. Some of these disorders may predispose individuals to malignant hyperthermia. RYR1 variants may also contribute to a malignant hyperthermia reaction in combination with other genetic and non-genetic factors and the clinician needs to consider such factors in making management decisions. This sequence variant predicts a substitution of serine with leucine at codon 846 of the RYR1 protein, p.(Ser846Leu). This variant was not present in a large population database (gnomAD) at the time this variant was interpreted. This variant has been reported in an individual with a personal or family history of an MH episode and a positive in vitro contracture test (IVCT) or caffeine halothane contracture test (CHCT) result (if the proband was unavailable for testing, a positive diagnostic test result in a mutation-positive relative was counted), PS4_Supporting (PMID:30236257). No functional studies were identified for this variant. This variant does not reside in a hotspot for pathogenic variants that contribute to MHS. A REVEL score of 0.558 supports neither a pathogenic nor a benign status for this variant. This variant has been classified as a Variant of Unknown Significance. Criteria implemented: PS4_Supporting.

Women's Health and Genetics/Laboratory Corporation of America, LabCorp
Classification: Uncertain significance. Last evaluated: 2024-06-14. Review status: criteria provided, single submitter. Criteria: LabCorp Variant Classification Summary - May 2015. Collection method: clinical testing. Allele origin: germline. Not counted in ClinVar's aggregate classification.
Comment: Variant summary: RYR1 c.2537C>T (p.Ser846Leu) results in a non-conservative amino acid change in the encoded protein sequence. Five of five in-silico tools predict a damaging effect of the variant on protein function. The variant was absent in 250998 control chromosomes. The available data on variant occurrences in the general population are insufficient to allow any conclusion about variant significance. c.2537C>T has been reported in the literature in at-least one individual affected with malignant hyperthermia (Miller_2018). These report(s) do not provide unequivocal conclusions about association of the variant with Congenital Multicore Myopathy With External Ophthalmoplegia. To our knowledge, no experimental evidence demonstrating an impact on protein function has been reported. The following publication has been ascertained in the context of this evaluation (PMID: 30236257). ClinVar contains an entry for this variant (Variation ID: 133117). Based on the evidence outlined above, the variant was classified as uncertain significance.

All of Us Research Program, National Institutes of Health
Classification: Uncertain significance for Malignant hyperthermia, susceptibility to, 1. Last evaluated: 2023-12-13. Review status: criteria provided, single submitter. Criteria: ACMG Guidelines, 2015. Collection method: clinical testing. Allele origin: germline. Inheritance: Autosomal dominant inheritance. Observed: 2 variant alleles, 2 heterozygotes. Not counted in ClinVar's aggregate classification.
Comment: This variant is located in the RYR1 protein. Computational prediction is inconclusive regarding the impact of this variant on protein structure and function (internally defined REVEL score threshold 0.5 < inconclusive < 0.7, PMID: 27666373). To our knowledge, functional studies have not been reported for this variant. This variant has been reported in an individual affected with malignant hyperthermia susceptibility (PMID: 30236257). This variant has not been identified in the general population by the Genome Aggregation Database (gnomAD). The available evidence is insufficient to determine the role of this variant in disease conclusively. Therefore, this variant is classified as a Variant of Uncertain Significance.

This study involves interpretation of variants in research participants for the purpose of population health screening. Participant phenotype was not available at the time of variant classification. Additional details can be found in publication PMID: 35346344, PMCID: PMC8962531

Labcorp Genetics (formerly Invitae), Labcorp
Classification: Uncertain significance for RYR1-related disorder. Last evaluated: 2023-06-03. Review status: criteria provided, single submitter. Criteria: Invitae Variant Classification Sherloc (09022015). Collection method: clinical testing. Allele origin: germline. Not counted in ClinVar's aggregate classification.
Comment: This variant has not been reported in the literature in individuals affected with RYR1-related conditions. This sequence change replaces serine, which is neutral and polar, with leucine, which is neutral and non-polar, at codon 846 of the RYR1 protein (p.Ser846Leu). This variant is not present in population databases (gnomAD no frequency). ClinVar contains an entry for this variant (Variation ID: 133117). Advanced modeling of protein sequence and biophysical properties (such as structural, functional, and spatial information, amino acid conservation, physicochemical variation, residue mobility, and thermodynamic stability) has been performed at Invitae for this missense variant, however the output from this modeling did not meet the statistical confidence thresholds required to predict the impact of this variant on RYR1 protein function. In summary, the available evidence is currently insufficient to determine the role of this variant in disease. Therefore, it has been classified as a Variant of Uncertain Significance.

RYR1 database
No classification provided. Review status: no classification provided. Collection method: not provided. Allele origin: unknown. Not counted in ClinVar's aggregate classification.

Literature cited by the submitters: PubMed 30236257 (cited by Women's Health and Genetics/Laboratory Corporation of America, LabCorp and All of Us Research Program, National Institutes of Health).

NM_000540.3(RYR1):c.2537C>T (p.Ser846Leu)

Gene: RYR1 (ryanodine receptor 1; plus strand). Cytogenetic location: 19q13.2.
Variant type: single nucleotide variant.
Coding change: c.2537C>T on transcript NM_000540.3 (MANE Select); coding-DNA position 2537, C replaced by T.
Protein change: p.Ser846Leu; replaces serine 846 with leucine.
Molecular consequence: missense variant.
Genome position (GRCh38, 1-based): chr19:38,460,551, C>T. VCF-style: chr19-38460551-C-T. GRCh37 (hg19) VCF-style: chr19-38951191-C-T.
Other names: NM_000540.2(RYR1):c.2537C>T; c.2537C>T, p.Ser846Leu (NM_001042723.2); short protein forms S846L.
Identifiers: ClinVar variation 133117 (VCV000133117.9), dbSNP rs193922775, ClinGen allele CA024353.